The following is an entry in ClinVar:

ClinVar aggregate classification (germline): Likely pathogenic (1 of 4 stars; one submission).

Submission:

GeneDx
Classification: Likely pathogenic. Last evaluated: 2024-12-06. Review status: criteria provided, single submitter. Criteria: GeneDx Variant Classification Process June 2021. Collection method: clinical testing. Allele origin: germline. Affected: yes.
Comment: Reported in a patient with early onset Parkinson's disease who harbored a second FBXO7 variant in trans (PMID: 32894901); Nonsense variant predicted to result in protein truncation, as the last 135 amino acid(s) are lost, and other loss-of-function variants have been reported downstream in HGMD; Not observed at significant frequency in large population cohorts (gnomAD); This variant is associated with the following publications: (PMID: 32894901)

NM_012179.4(FBXO7):c.1162C>T (p.Gln388Ter)

Gene: FBXO7 (F-box protein 7; plus strand). Cytogenetic location: 22q12.3.
Variant type: single nucleotide variant.
Coding change: c.1162C>T on transcript NM_012179.4 (MANE Select); coding-DNA position 1162, C replaced by T.
Protein change: p.Gln388Ter; replaces glutamine 388 with a stop codon.
Molecular consequence: nonsense.
Genome position (GRCh38, 1-based): chr22:32,495,510, C>T. VCF-style: chr22-32495510-C-T. GRCh37 (hg19) VCF-style: chr22-32891497-C-T.
Other names: c.925C>T, p.Gln309Ter (NM_001033024.2); c.820C>T, p.Gln274Ter (NM_001257990.2); short protein forms Q274*, Q309*, Q388*.
Identifiers: ClinVar variation 3901538 (VCV003901538.1).